The following is an entry in ClinVar:

ClinVar aggregate classification (germline): Uncertain significance (1 of 4 stars; one submission).

Conditions:
Pierpont syndrome (PRPTS). Identifiers: Orphanet 487825, MedGen C1865644, MONDO:0011213, OMIM 602342.

Submission:

3billion
Classification: Uncertain significance for Pierpont syndrome. Last evaluated: 2025-01-24. Review status: criteria provided, single submitter. Criteria: ACMG Guidelines, 2015. Collection method: clinical testing. Allele origin: germline. Affected: yes.
Comment: The variant is not observed in the gnomAD v4.1.0 dataset. Predicted Consequence/Location: Missense variant. Missense changes are a common disease-causing mechanism. In silico tool predictions suggest damaging effect of the variant on gene or gene product [ 3Cnet: 0.78 (>=0.6, sensitivity 0.72 and precision 0.9)]. Different missense changes at the same codon have been reported as of uncertain significance (ClinVar ID: VCV001335547). Therefore, this variant is classified as VUS according to the recommendation of ACMG/AMP guideline.

NM_024665.7(TBL1XR1):c.1480G>A (p.Ala494Thr)

Gene: TBL1XR1 (TBL1X/Y related 1; minus strand). Cytogenetic location: 3q26.32.
Variant type: single nucleotide variant.
Coding change: c.1480G>A on transcript NM_024665.7 (MANE Select); coding-DNA position 1480, G replaced by A.
Protein change: p.Ala494Thr; replaces alanine 494 with threonine.
Molecular consequence: missense variant.
Genome position (GRCh38, 1-based): chr3:177,026,411, C>T on the plus strand (G>A on the coding strand, the complement: TBL1XR1 is on the minus strand). VCF-style: chr3-177026411-C-T. GRCh37 (hg19) VCF-style: chr3-176744199-C-T.
Other names: c.1480G>A, p.Ala494Thr (NM_001321193.3, NM_001321194.3, NM_001374327.1 and 2 more transcripts); c.1219G>A, p.Ala407Thr (NM_001321195.3, NM_001374330.1); short protein forms A407T, A494T.
Identifiers: ClinVar variation 4293069 (VCV004293069.1).
Genomic context (GRCh38, chr3:177,026,411, plus strand): 5'-GGAAACACTTTACTATACTTACTGAACCATCTGATGCACTGGCTCCAACTTTGTCTCCTG[C>T]TGCATTCCAGCAAACTTCAAATATTCCACCTGTTCCCCTATAGCTGTGAACTAGAGCACC-3'
Protein context (NP_078941.2, residues 484-504): GGIFEVCWNA[Ala494Thr]GDKVGASASD